The following is an entry in ClinVar:

NM_178138.6(LHX3):c.556G>T (p.Val186Leu)

Gene: LHX3 (LIM homeobox 3; minus strand). Cytogenetic location: 9q34.3.
Variant type: single nucleotide variant.
Coding change: c.556G>T on transcript NM_178138.6 (MANE Select); coding-DNA position 556, G replaced by T.
Protein change: p.Val186Leu; replaces valine 186 with leucine.
Molecular consequence: missense variant.
Genome position (GRCh38, 1-based): chr9:136,198,958, C>A on the plus strand (G>T on the coding strand, the complement: LHX3 is on the minus strand). VCF-style: chr9-136198958-C-A. GRCh37 (hg19) VCF-style: chr9-139090804-C-A.
Other names: c.523G>T, p.Val175Leu (NM_001363746.1); c.571G>T, p.Val191Leu (NM_014564.5); short protein forms V191L, V175L, V186L.
Identifiers: ClinVar variation 1991688 (VCV001991688.4), dbSNP rs1444524043, ClinGen allele CA375519646.

ClinVar aggregate classification (germline): Uncertain significance (1 of 4 stars; one submission).

Submission:

Labcorp Genetics (formerly Invitae), Labcorp
Classification: Uncertain significance. Last evaluated: 2022-03-23. Review status: criteria provided, single submitter. Criteria: Invitae Variant Classification Sherloc (09022015). Collection method: clinical testing. Allele origin: germline.
Comment: In summary, the available evidence is currently insufficient to determine the role of this variant in disease. Therefore, it has been classified as a Variant of Uncertain Significance. Algorithms developed to predict the effect of missense changes on protein structure and function are either unavailable or do not agree on the potential impact of this missense change (SIFT: "Not Available"; PolyPhen-2: "Possibly Damaging"; Align-GVGD: "Not Available"). This variant has not been reported in the literature in individuals affected with LHX3-related conditions. This variant is not present in population databases (gnomAD no frequency). This sequence change replaces valine, which is neutral and non-polar, with leucine, which is neutral and non-polar, at codon 191 of the LHX3 protein (p.Val191Leu).